The following is an entry in ClinVar:

NM_003054.4(SLC18A2):c.835_836delAG

Gene: SLC18A2 (solute carrier family 18 member A2; plus strand). Cytogenetic location: 10q25.3.
Variant type: Microsatellite.
Coding change: c.835_836delAG on transcript NM_003054.4; coding-DNA positions 835 to 836, 2 bases deleted (AG).
Genome position (GRCh38, 1-based): chr10:117,255,597-117,255,598, AG deleted; deleting any 2 consecutive bases within chr10:117,255,595-117,255,598 gives the same sequence; the c. name uses the placement nearest the transcript's 3' end. VCF-style (leftmost placement, unchanged base first): chr10-117255594-CAG-C. GRCh37 (hg19) VCF-style: chr10-119015105-CAG-C.
Identifiers: ClinVar variation 520810 (VCV000520810.5), dbSNP rs1431337923, ClinGen allele CA596167931.

ClinVar aggregate classification (germline): Pathogenic (1 of 4 stars; one submission).

Conditions:
Inborn genetic diseases. Identifiers: MedGen C0950123, MeSH D030342.

Submission:

Ambry Genetics
Classification: Pathogenic for Hereditary disease. Last evaluated: 2015-12-30. Review status: criteria provided, single submitter. Criteria: ambry_reporting_categories_2017. Collection method: clinical testing. Allele origin: germline. Affected: yes. Observed: 1 heterozygote. Segregation with disease observed.
Comment: Lines of evidence used in support of classification: LIKELY POSITIVE: Relevant Alteration(s) Detected

Literature cited by the submitters: PubMed 26539891; PubMed 26497564; PubMed 23363473; PubMed 23911319.